The following is an entry in ClinVar:

NM_000038.6(APC):c.4059dup (p.Phe1354fs)

Gene: APC (APC regulator of WNT signaling pathway; plus strand). Cytogenetic location: 5q22.2.
Variant type: Duplication.
Coding change: c.4059dup on transcript NM_000038.6 (MANE Select); coding-DNA position 4059, one base duplicated (A; older notation c.4059dupA).
Protein change: p.Phe1354fs; shifts the reading frame from phenylalanine 1354.
Molecular consequence: frameshift variant. On other transcripts: non-coding transcript variant (2).
Genome position (GRCh38, 1-based): chr5:112,839,653, A duplicated; the last of 2 consecutive A bases (chr5:112,839,652-112,839,653); duplicating either gives the same sequence. VCF-style (leftmost placement, unchanged base first): chr5-112839651-G-GA. GRCh37 (hg19) VCF-style: chr5-112175348-G-GA.
Other names: c.4059dup, p.Phe1354fs (NM_001127510.3, NM_001354895.2, NM_001407450.1); c.4005dup, p.Phe1336fs (NM_001127511.3); c.4113dup, p.Phe1372fs (NM_001354896.2, NM_001407447.1, NM_001407448.1 and 1 more transcripts); c.4089dup, p.Phe1364fs (NM_001354897.2); c.3984dup, p.Phe1329fs (NM_001354898.2); c.3975dup, p.Phe1326fs (NM_001354899.2); c.3936dup, p.Phe1313fs (NM_001354900.2); c.3882dup, p.Phe1295fs (NM_001354901.2, NM_001407453.1); and 11 more; short protein forms F1071fs, F1194fs, F1225fs, F1228fs, F1253fs, F1263fs, F1271fs, F1295fs.
Identifiers: ClinVar variation 3383685 (VCV003383685.1).

ClinVar aggregate classification (germline): Pathogenic (1 of 4 stars; one submission).

Submission:

GeneDx
Classification: Pathogenic. Last evaluated: 2024-05-30. Review status: criteria provided, single submitter. Criteria: GeneDx Variant Classification Process June 2021. Collection method: clinical testing. Allele origin: germline. Affected: yes.
Comment: Frameshift variant predicted to result in protein truncation in a gene for which loss of function is a known mechanism of disease; Not observed at significant frequency in large population cohorts (gnomAD); Has not been previously published as pathogenic or benign to our knowledge